The following is an entry in ClinVar:

NM_000282.4(PCCA):c.2039C>T (p.Ala680Val)

Gene: PCCA (propionyl-CoA carboxylase subunit alpha; plus strand). Cytogenetic location: 13q32.3.
Variant type: single nucleotide variant.
Coding change: c.2039C>T on transcript NM_000282.4 (MANE Select); coding-DNA position 2039, C replaced by T.
Protein change: p.Ala680Val; replaces alanine 680 with valine.
Molecular consequence: missense variant. On other transcripts: non-coding transcript variant (4), intron variant (2).
Genome position (GRCh38, 1-based): chr13:100,515,566, C>T. VCF-style: chr13-100515566-C-T. GRCh37 (hg19) VCF-style: chr13-101167820-C-T.
Other names: c.1961C>T, p.Ala654Val (NM_001127692.3); c.1985C>T, p.Ala662Val (NM_001352605.2); c.1895C>T, p.Ala632Val (NM_001352606.2); c.1817C>T, p.Ala606Val (NM_001352608.2); c.1094C>T, p.Ala365Val (NM_001352610.2); c.1040C>T, p.Ala347Val (NM_001352611.2); c.950C>T, p.Ala317Val (NM_001352612.2); c.1900-12109C>T (NM_001178004.2); and 1 more; short protein forms A680V, A317V, A365V, A632V, A347V, A606V, A654V, A662V.
Identifiers: ClinVar variation 310849 (VCV000310849.6), dbSNP rs376383373, ClinGen allele CA7033875.
Genomic context (GRCh38, chr13:100,515,566, plus strand): 5'-GTGTTCTGCGTTCCCCGATGCCCGGAGTGGTGGTGGCCGTCTCTGTCAAGCCTGGAGACG[C>T]GGTAAGGGCTGTGTGTGTCTCTCTGCAGGACATGCTGGTCTCCAACTTCCCCTTCCAAAG-3'
Protein context (NP_000273.2, residues 670-690): VVAVSVKPGD[Ala680Val]VAEGQEICVI

ClinVar aggregate classification (germline): Uncertain significance. Review status: criteria provided, multiple submitters, no conflicts (2 of 4 stars). 2 submissions from 2 submitters: Uncertain significance (2). Last evaluated 2022-08-18.

Conditions:
Propionic acidemia (PROP). Also called: GLYCINEMIA, KETOTIC; HYPERGLYCINEMIA WITH KETOACIDOSIS AND LEUKOPENIA; KETOTIC HYPERGLYCINEMIA. Identifiers: Orphanet 35, MedGen C0268579, MONDO:0011628, OMIM 606054, HP:0003571.

Allele frequency attached by ClinVar (database versions not stated): gnomAD 0.00003 and 0.00004; gnomAD exomes 0.00004 and 0.00008; TOPMed 0.00004; ESP Exome Variant Server 0.00008; ExAC 0.00012.
gnomAD v4.1: 72 of 1,613,408 alleles (0.0045%); highest among the groups gnomAD compares: African/African-American, 0.008%; no homozygotes.

Submissions (2):

Labcorp Genetics (formerly Invitae), Labcorp
Classification: Uncertain significance for Propionic acidemia. Last evaluated: 2022-08-18. Review status: criteria provided, single submitter. Criteria: Invitae Variant Classification Sherloc (09022015). Collection method: clinical testing. Allele origin: germline.
Comment: This sequence change replaces alanine, which is neutral and non-polar, with valine, which is neutral and non-polar, at codon 680 of the PCCA protein (p.Ala680Val). This variant is present in population databases (rs376383373, gnomAD 0.01%). This variant has not been reported in the literature in individuals affected with PCCA-related conditions. ClinVar contains an entry for this variant (Variation ID: 310849). Algorithms developed to predict the effect of missense changes on protein structure and function output the following: SIFT: "Tolerated"; PolyPhen-2: "Benign"; Align-GVGD: "Class C0". The valine amino acid residue is found in multiple mammalian species, which suggests that this missense change does not adversely affect protein function. In summary, the available evidence is currently insufficient to determine the role of this variant in disease. Therefore, it has been classified as a Variant of Uncertain Significance.

Illumina Laboratory Services, Illumina
Classification: Uncertain significance for Propionic acidemia. Last evaluated: 2018-01-12. Review status: criteria provided, single submitter. Criteria: ICSL Variant Classification Criteria 13 December 2019. Collection method: clinical testing. Allele origin: germline.